The following is an entry in ClinVar:

ClinVar aggregate classification (germline): Uncertain significance. Review status: criteria provided, multiple submitters, no conflicts (2 of 4 stars). 2 submissions from 2 submitters: Uncertain significance (2). Last evaluated 2025-03-18.

Conditions:
Inborn genetic diseases. Identifiers: MedGen C0950123, MeSH D030342.

Allele frequency attached by ClinVar (database versions not stated): gnomAD 0.00001.
gnomAD v4.1: 1 of 1,613,432 alleles (0.000062%); highest among the groups gnomAD compares: South Asian, 0.0011%; no homozygotes.

Submissions (2):

Ambry Genetics
Classification: Uncertain significance for Inborn genetic diseases. Last evaluated: 2025-03-18. Review status: criteria provided, single submitter. Criteria: Ambry Variant Classification Scheme 2023. Collection method: clinical testing. Allele origin: germline.

GeneDx
Classification: Uncertain significance. Last evaluated: 2022-02-15. Review status: criteria provided, single submitter. Criteria: GeneDx Variant Classification Process June 2021. Collection method: clinical testing. Allele origin: germline. Affected: yes.
Comment: Not observed at significant frequency in large population cohorts (gnomAD); In silico analysis supports that this missense variant has a deleterious effect on protein structure/function; Has not been previously published as pathogenic or benign to our knowledge

NM_145200.5(CABP4):c.388G>A (p.Glu130Lys)

Gene: CABP4 (calcium binding protein 4; plus strand). Cytogenetic location: 11q13.2.
Variant type: single nucleotide variant.
Coding change: c.388G>A on transcript NM_145200.5 (MANE Select); coding-DNA position 388, G replaced by A.
Protein change: p.Glu130Lys; replaces glutamic acid 130 with lysine.
Molecular consequence: missense variant.
Genome position (GRCh38, 1-based): chr11:67,456,209, G>A. VCF-style: chr11-67456209-G-A. GRCh37 (hg19) VCF-style: chr11-67223680-G-A.
Other names: c.73G>A, p.Glu25Lys (NM_001300895.3, NM_001300896.3, NM_001379183.1); short protein forms E130K, E25K.
Identifiers: ClinVar variation 1701015 (VCV001701015.3), dbSNP rs1347952534, ClinGen allele CA381529510.
Genomic context (GRCh38, chr11:67,456,209, plus strand): 5'-TGGCTGGCCCTGGGGACATCCTGGACTCTCCCCCTGCAGGACCGCGAACTGGGCCCCGAG[G>A]AGCTAGACGGTGAGTGGCTCTTGCTGCTGGCAGGGGGTGGGAGCTGTCCCTGAGCCTGGC-3'
Protein context (NP_660201.1, residues 120-140): FGKDRELGPE[Glu130Lys]LDELQAAFEE